The following is an entry in ClinVar:

ClinVar aggregate classification (germline): Uncertain significance (1 of 4 stars; one submission).

Conditions:
Candidiasis, familial, 8 (CANDF8). Identifiers: Orphanet 1334, MedGen C3714992, MONDO:0014230, OMIM 615527.

Submission:

Labcorp Genetics (formerly Invitae), Labcorp
Classification: Uncertain significance for Candidiasis, familial, 8. Last evaluated: 2022-06-02. Review status: criteria provided, single submitter. Criteria: Invitae Variant Classification Sherloc (09022015). Collection method: clinical testing. Allele origin: germline.
Comment: In summary, the available evidence is currently insufficient to determine the role of this variant in disease. Therefore, it has been classified as a Variant of Uncertain Significance. Algorithms developed to predict the effect of missense changes on protein structure and function (SIFT, PolyPhen-2, Align-GVGD) all suggest that this variant is likely to be tolerated. This variant has not been reported in the literature in individuals affected with TRAF3IP2-related conditions. This variant is not present in population databases (gnomAD no frequency). This sequence change replaces proline, which is neutral and non-polar, with serine, which is neutral and polar, at codon 271 of the TRAF3IP2 protein (p.Pro271Ser).

NM_147686.4(TRAF3IP2):c.811C>T (p.Pro271Ser)

Genes: TRAF3IP2 (TRAF3 interacting protein 2; minus strand), TRAF3IP2-AS1 (TRAF3IP2 antisense RNA 1; plus strand), LOC114803478 (TRAF3IP2 eExon liver enhancer; plus strand). Cytogenetic location: 6q21.
Variant type: single nucleotide variant.
Coding change: c.811C>T on transcript NM_147686.4 (MANE Select); coding-DNA position 811, C replaced by T.
Protein change: p.Pro271Ser; replaces proline 271 with serine.
Molecular consequence: missense variant.
Genome position (GRCh38, 1-based): chr6:111,591,276, G>A on the plus strand (C>T on the coding strand, the complement: TRAF3IP2 is on the minus strand). VCF-style: chr6-111591276-G-A. GRCh37 (hg19) VCF-style: chr6-111912479-G-A.
Other names: c.811C>T, p.Pro271Ser (NM_001164281.3); c.838C>T, p.Pro280Ser (NM_147200.3); short protein forms P280S, P271S.
Identifiers: ClinVar variation 2113048 (VCV002113048.4), dbSNP rs2536178957, ClinGen allele CA365365588.
Genomic context (GRCh38, chr6:111,591,276, plus strand): 5'-TCACCCAGCCCAGAATGCCCAGAGGAGGTAAAGATCACTTACATGGCACCTGGTGATCGG[G>A]ACTTCCAGGACAATGGTAATGATAGTTCCATGGAGCATGTGGGGAAAGATTGGGAGGCAG-3'
Protein context (NP_679211.2, residues 261-281): WNYHYHCPGS[Pro271Ser]DHQVPYGHDY